The following is an entry in ClinVar:

NM_001127222.2(CACNA1A):c.1555+2del

Gene: CACNA1A (calcium voltage-gated channel subunit alpha1 A; minus strand). Cytogenetic location: 19p13.13.
Variant type: Deletion.
Coding change: c.1555+2del on transcript NM_001127222.2 (MANE Select); the canonical splice donor site of the intron after coding-DNA position 1555, one base deleted (T; older notation c.1555+2delT).
Molecular consequence: splice donor variant.
Genome position (GRCh38, 1-based): chr19:13,317,110, A deleted on the plus strand (T on the coding strand, the reverse complement: CACNA1A is on the minus strand). VCF-style (leftmost placement, unchanged base first): chr19-13317109-CA-C. GRCh37 (hg19) VCF-style: chr19-13427923-CA-C.
Other names: c.1558+2del (NM_001127221.2, NM_001174080.2, NM_000068.4 and 1 more transcripts); c.1558+2delT (NM_001127221.1).
Identifiers: ClinVar variation 651433 (VCV000651433.7), dbSNP rs1600313212, ClinGen allele CA915952500.

ClinVar aggregate classification (germline): Likely pathogenic (1 of 4 stars; one submission).

Conditions:
Developmental and epileptic encephalopathy, 42 (DEE42A). Also called: Epileptic encephalopathy, early infantile, 42; DEVELOPMENTAL AND EPILEPTIC ENCEPHALOPATHY 42A; EPILEPTIC ENCEPHALOPATHY, EARLY INFANTILE, 42A. Identifiers: MedGen C4310716, MONDO:0014917, OMIM 617106.
Episodic ataxia type 2 (EA2). Also called: CEREBELLAR ATAXIA, PAROXYSMAL, ACETAZOLAMIDE-RESPONSIVE; CEREBELLOPATHY, HEREDITARY PAROXYSMAL; EPISODIC ATAXIA, NYSTAGMUS-ASSOCIATED; ATAXIA, EPISODIC, WITH NYSTAGMUS; ATAXIA, FAMILIAL PAROXYSMAL; ACETAZOLAMIDE-RESPONSIVE HEREDITARY PAROXYSMAL CEREBELLAR ATAXIA. Identifiers: Orphanet 97, MedGen C1720416, MONDO:0007163, OMIM 108500.

Submission:

Labcorp Genetics (formerly Invitae), Labcorp
Classification: Likely pathogenic for Developmental and epileptic encephalopathy, 42; Episodic ataxia type 2. Last evaluated: 2018-07-03. Review status: criteria provided, single submitter. Criteria: Invitae Variant Classification Sherloc (09022015). Collection method: clinical testing. Allele origin: germline.
Comment: In summary, the currently available evidence indicates that the variant is pathogenic, but additional data are needed to prove that conclusively. Therefore, this variant has been classified as Likely Pathogenic. Donor and acceptor splice site variants typically lead to a loss of protein function (PMID: 16199547), and loss-of-function variants in CACNA1A are known to be pathogenic (PMID: 10371528, 19486177, 25735478, 27250579). Algorithms developed to predict the effect of sequence changes on RNA splicing suggest that this variant may disrupt the consensus splice site, but this prediction has not been confirmed by published transcriptional studies. This variant has not been reported in the literature in individuals with CACNA1A-related disease. This variant is not present in population databases (ExAC no frequency). This sequence change affects a donor splice site in intron 11 of the CACNA1A gene. It is expected to disrupt RNA splicing and likely results in an absent or disrupted protein product.

Literature cited by the submitters: PubMed 16199547; PubMed 10371528; PubMed 19486177; PubMed 25735478; PubMed 27250579.